The following is an entry in ClinVar:

NM_002474.3(MYH11):c.1956A>G (p.Thr652=)

Gene: MYH11 (myosin heavy chain 11; minus strand). Cytogenetic location: 16p13.11.
Variant type: single nucleotide variant.
Coding change: c.1956A>G on transcript NM_002474.3 (MANE Select); coding-DNA position 1956, A replaced by G.
Protein change: p.Thr652=; no amino-acid change (threonine 652 retained).
Molecular consequence: synonymous variant.
Genome position (GRCh38, 1-based): chr16:15,750,240, T>C on the plus strand (A>G on the coding strand, the complement: MYH11 is on the minus strand). VCF-style: chr16-15750240-T-C. GRCh37 (hg19) VCF-style: chr16-15844097-T-C.
Other names: c.1977A>G, p.Thr659= (NM_001040113.2, NM_001040114.2); c.1956A>G, p.Thr652= (NM_022844.3).
Identifiers: ClinVar variation 872385 (VCV000872385.53), dbSNP rs753238525, ClinGen allele CA7922463.

ClinVar aggregate classification (germline): Likely benign. Review status: criteria provided, multiple submitters, no conflicts (2 of 4 stars). 5 submissions from 5 submitters: Likely benign (5). Last evaluated 2025-12-23.

Conditions:
Familial thoracic aortic aneurysm and aortic dissection (TAAD). Also called: Thoracic aortic aneurysms and dissections. Identifiers: Orphanet 91387, MedGen C4707243, MONDO:0019625.
Aortic aneurysm, familial thoracic 4 (AAT4). Also called: AORTIC ANEURYSM/AORTIC DISSECTION AND PATENT DUCTUS ARTERIOSUS. Identifiers: MedGen C1851504, MONDO:0007568, OMIM 132900.

Allele frequency attached by ClinVar (database versions not stated): TOPMed below 0.00001; gnomAD 0.00001; ExAC 0.00003; gnomAD exomes 0.00003.
gnomAD v4.1: 19 of 1,614,078 alleles (0.0012%); highest among the groups gnomAD compares: South Asian, 0.011%; no homozygotes.

Submissions (5):

Labcorp Genetics (formerly Invitae), Labcorp
Classification: Likely benign for Aortic aneurysm, familial thoracic 4. Last evaluated: 2025-12-23. Review status: criteria provided, single submitter. Criteria: Invitae Variant Classification Sherloc (09022015). Collection method: clinical testing. Allele origin: germline.

All of Us Research Program, National Institutes of Health
Classification: Likely benign for Familial thoracic aortic aneurysm and aortic dissection. Last evaluated: 2024-01-11. Review status: criteria provided, single submitter. Criteria: ACMG Guidelines, 2015. Collection method: clinical testing. Allele origin: germline. Inheritance: Autosomal dominant inheritance. Observed: 5 variant alleles, 5 heterozygotes.
Comment: This study involves interpretation of variants in research participants for the purpose of population health screening. Participant phenotype was not available at the time of variant classification. Additional details can be found in publication PMID: 35346344, PMCID: PMC8962531

CeGaT Center for Human Genetics Tuebingen
Classification: Likely benign. Last evaluated: 2019-08-01. Review status: criteria provided, single submitter. Criteria: CeGaT Center For Human Genetics Tuebingen Variant Classification Criteria Version 2. Collection method: clinical testing. Allele origin: germline. Affected: yes. Observed: 1 variant allele.

Ambry Genetics
Classification: Likely benign for Familial thoracic aortic aneurysm and aortic dissection. Last evaluated: 2019-03-22. Review status: criteria provided, single submitter. Criteria: Ambry Variant Classification Scheme 2023. Collection method: clinical testing. Allele origin: germline.

Color Diagnostics, LLC DBA Color Health
Classification: Likely benign for Familial thoracic aortic aneurysm and aortic dissection. Last evaluated: 2019-01-20. Review status: criteria provided, single submitter. Criteria: ACMG Guidelines, 2015. Collection method: clinical testing. Allele origin: germline.